The following is an entry in ClinVar:

NM_001184900.3(CARD8):c.1002del (p.Leu334fs)

Gene: CARD8 (caspase recruitment domain family member 8; minus strand). Cytogenetic location: 19q13.33.
Variant type: Deletion.
Coding change: c.1002del on transcript NM_001184900.3 (MANE Select); coding-DNA position 1002, one base deleted (G; older notation c.1002delG).
Protein change: p.Leu334fs; shifts the reading frame from leucine 334.
Molecular consequence: frameshift variant. On other transcripts: non-coding transcript variant (4).
Genome position (GRCh38, 1-based): chr19:48,230,471, C deleted on the plus strand (G on the coding strand, the reverse complement: CARD8 is on the minus strand). VCF-style (leftmost placement, unchanged base first): chr19-48230470-AC-A. GRCh37 (hg19) VCF-style: chr19-48733727-AC-A.
Other names: c.852del, p.Leu284fs (NM_001184901.1, NM_001351783.2, NM_014959.5 and 2 more transcripts); c.1002del, p.Leu334fs (NM_001184902.2, NM_001184903.1, NM_001351782.2); c.687del, p.Leu229fs (NM_001351784.2, NM_001351787.2, NM_001351791.2 and 1 more transcripts); c.666del, p.Leu222fs (NM_001351786.2); c.759del, p.Leu253fs (NM_001351790.2); c.684del, p.Leu228fs (NM_001365950.1); c.177delG, p.Leu59Phefs (NM_001426741.1); short protein forms L229fs, L253fs, L222fs, L334fs, L284fs, L228fs.
Identifiers: ClinVar variation 2958578 (VCV002958578.3), dbSNP rs767035959, ClinGen allele CA9547850.

ClinVar aggregate classification (germline): Uncertain significance (1 of 4 stars; one submission).

Allele frequency attached by ClinVar (database versions not stated): gnomAD exomes below 0.00001; ExAC 0.00001; gnomAD 0.00001.

Submission:

Labcorp Genetics (formerly Invitae), Labcorp
Classification: Uncertain significance. Last evaluated: 2023-06-15. Review status: criteria provided, single submitter. Criteria: Invitae Variant Classification Sherloc (09022015). Collection method: clinical testing. Allele origin: germline.
Comment: This variant is present in population databases (rs767035959, gnomAD 0.002%). This variant has not been reported in the literature in individuals affected with CARD8-related conditions. In summary, the available evidence is currently insufficient to determine the role of this variant in disease. Therefore, it has been classified as a Variant of Uncertain Significance. Experimental studies and prediction algorithms are not available or were not evaluated, and the functional significance of this variant is currently unknown. This sequence change creates a premature translational stop signal (p.Leu284Phefs*10) in the CARD8 gene. It is expected to result in an absent or disrupted protein product. However, the current clinical and genetic evidence is not sufficient to establish whether loss-of-function variants in CARD8 cause disease.